The following is an entry in ClinVar:

ClinVar aggregate classification (germline): Uncertain significance. Review status: criteria provided, multiple submitters, no conflicts (2 of 4 stars). 2 submissions from 2 submitters: Uncertain significance (2). Last evaluated 2025-08-04.

Conditions:
CHARGE syndrome (CHARGE). Also called: Hittner Hirsch Kreh syndrome; CHARGE ASSOCIATION--COLOBOMA, HEART ANOMALY, CHOANAL ATRESIA, RETARDATION, GENITAL AND EAR ANOMALIES; Coloboma, heart anomaly, choanal atresia, retardation, genital and ear anomalies; CHARGE association; Hall-Hittner syndrome. Identifiers: Orphanet 138, MedGen C0265354, MONDO:0008965.
CHD7-related disorder. Also called: CHD7-related condition.

Submissions (2):

PreventionGenetics, part of Exact Sciences
Classification: Uncertain significance for CHD7-related condition. Last evaluated: 2025-08-04. Review status: criteria provided, single submitter. Criteria: ACMG Guidelines, 2015. Collection method: clinical testing. Allele origin: germline.
Comment: The CHD7 c.371G>A variant is predicted to result in the amino acid substitution p.Gly124Asp. To our knowledge, this variant has not been reported in the literature or in a large population database (gnomAD), indicating this variant is rare. At this time, the clinical significance of this variant is uncertain due to the absence of conclusive functional and genetic evidence.

Labcorp Genetics (formerly Invitae), Labcorp
Classification: Uncertain significance for CHARGE syndrome. Last evaluated: 2025-07-30. Review status: criteria provided, single submitter. Criteria: Invitae Variant Classification Sherloc (09022015). Collection method: clinical testing. Allele origin: germline.
Comment: This sequence change replaces glycine, which is neutral and non-polar, with aspartic acid, which is acidic and polar, at codon 124 of the CHD7 protein (p.Gly124Asp). This variant is not present in population databases (gnomAD no frequency). This variant has not been reported in the literature in individuals affected with CHD7-related conditions. Invitae Evidence Modeling of protein sequence and biophysical properties (such as structural, functional, and spatial information, amino acid conservation, physicochemical variation, residue mobility, and thermodynamic stability) indicates that this missense variant is not expected to disrupt CHD7 protein function with a negative predictive value of 95%. In summary, the available evidence is currently insufficient to determine the role of this variant in disease. Therefore, it has been classified as a Variant of Uncertain Significance.

NM_017780.4(CHD7):c.371G>A (p.Gly124Asp)

Gene: CHD7 (chromodomain helicase DNA binding protein 7; plus strand). Cytogenetic location: 8q12.2.
Variant type: single nucleotide variant.
Coding change: c.371G>A on transcript NM_017780.4 (MANE Select); coding-DNA position 371, G replaced by A.
Protein change: p.Gly124Asp; replaces glycine 124 with aspartic acid.
Molecular consequence: missense variant.
Genome position (GRCh38, 1-based): chr8:60,741,803, G>A. VCF-style: chr8-60741803-G-A. GRCh37 (hg19) VCF-style: chr8-61654362-G-A.
Other names: c.371G>A (NM_017780.3); c.371G>A, p.Gly124Asp (NM_001316690.1); short protein forms G124D.
Identifiers: ClinVar variation 4771463 (VCV004771463.2).